The following is an entry in ClinVar:

NM_004364.5(CEBPA):c.518T>G (p.Leu173Arg)

Gene: CEBPA (CCAAT enhancer binding protein alpha; minus strand). Cytogenetic location: 19q13.11.
Variant type: single nucleotide variant.
Coding change: c.518T>G on transcript NM_004364.5 (MANE Select); coding-DNA position 518, T replaced by G.
Protein change: p.Leu173Arg; replaces leucine 173 with arginine.
Molecular consequence: missense variant.
Genome position (GRCh38, 1-based): chr19:33,301,897, A>C on the plus strand (T>G on the coding strand, the complement: CEBPA is on the minus strand). VCF-style: chr19-33301897-A-C. GRCh37 (hg19) VCF-style: chr19-33792803-A-C.
Other names: c.161T>G, p.Leu54Arg (NM_001285829.2); c.623T>G, p.Leu208Arg (NM_001287424.2); c.476T>G, p.Leu159Arg (NM_001287435.2); short protein forms L159R, L208R, L173R, L54R.
Identifiers: ClinVar variation 2153282 (VCV002153282.5), dbSNP rs1488417025, ClinGen allele CA405274777.
Genomic context (GRCh38, chr19:33,301,897, plus strand): 5'-TGCGGGTGCGAGGGCGGCGGCGGCGGCGGCGGCTGGTAAGGGAAGAGGCCGGCCAGCGCC[A>C]GCTGCTTGGCTTCATCCTCCTCGCGGGGCTCCTGCTTGATCACCAGCGGCCGCAGCGCCG-3'
Protein context (NP_004355.2, residues 163-183): EPREEDEAKQ[Leu173Arg]ALAGLFPYQP

ClinVar aggregate classification (germline): Uncertain significance. Review status: criteria provided, multiple submitters, no conflicts (2 of 4 stars). 2 submissions from 2 submitters: Uncertain significance (2). Last evaluated 2025-05-27.

Conditions:
Inborn genetic diseases. Identifiers: MedGen C0950123, MeSH D030342.
Acute myeloid leukemia (AML). Also called: Acute myeloid leukemia, adult; AML adult; Acute non-lymphocytic leukemia; Acute granulocytic leukemia; Leukemia, acute myeloid, somatic; Leukemia, acute myelogenous, somatic. Identifiers: Orphanet 519, MedGen C0023467, MeSH D015470, MONDO:0018874, OMIM 601626, HP:0004808. Disease mechanism: Constitutively activated FLT3.

gnomAD v4.1: 2 of 1,241,318 alleles (0.00016%); highest among the groups gnomAD compares: Admixed American, 0.0035%; no homozygotes.

Submissions (2):

Labcorp Genetics (formerly Invitae), Labcorp
Classification: Uncertain significance for Acute myeloid leukemia. Last evaluated: 2025-05-27. Review status: criteria provided, single submitter. Criteria: Invitae Variant Classification Sherloc (09022015). Collection method: clinical testing. Allele origin: germline.
Comment: This sequence change replaces leucine, which is neutral and non-polar, with arginine, which is basic and polar, at codon 173 of the CEBPA protein (p.Leu173Arg). This variant is not present in population databases (gnomAD no frequency). This variant has not been reported in the literature in individuals affected with CEBPA-related conditions. ClinVar contains an entry for this variant (Variation ID: 2153282). Invitae Evidence Modeling of protein sequence and biophysical properties (such as structural, functional, and spatial information, amino acid conservation, physicochemical variation, residue mobility, and thermodynamic stability) indicates that this missense variant is not expected to disrupt CEBPA protein function with a negative predictive value of 80%. In summary, the available evidence is currently insufficient to determine the role of this variant in disease. Therefore, it has been classified as a Variant of Uncertain Significance.

Ambry Genetics
Classification: Uncertain significance for Inborn genetic diseases. Last evaluated: 2025-04-05. Review status: criteria provided, single submitter. Criteria: Ambry Variant Classification Scheme 2023. Collection method: clinical testing. Allele origin: germline.
Comment: The p.L173R variant (also known as c.518T>G), located in coding exon 1 of the CEBPA gene, results from a T to G substitution at nucleotide position 518. The leucine at codon 173 is replaced by arginine, an amino acid with dissimilar properties. This amino acid position is conserved. In addition, this alteration is predicted to be tolerated by in silico analysis. Based on the available evidence, the clinical significance of this variant remains unclear.